The following is an entry in ClinVar:

NM_001035.3(RYR2):c.7860T>A (p.Tyr2620Ter)

Gene: RYR2 (ryanodine receptor 2; plus strand). Cytogenetic location: 1q43.
Variant type: single nucleotide variant.
Coding change: c.7860T>A on transcript NM_001035.3 (MANE Select); coding-DNA position 7860, T replaced by A.
Protein change: p.Tyr2620Ter; replaces tyrosine 2620 with a stop codon.
Molecular consequence: nonsense.
Genome position (GRCh38, 1-based): chr1:237,654,309, T>A. VCF-style: chr1-237654309-T-A. GRCh37 (hg19) VCF-style: chr1-237817609-T-A.
Other names: short protein forms Y2620*.
Identifiers: ClinVar variation 977739 (VCV000977739.2), dbSNP rs1415898681, ClinGen allele CA345400198.
Genomic context (GRCh38, chr1:237,654,309, plus strand): 5'-CTTTTATAATTGTTTTCCCACATAGCTGCTGACAAATCATTATGAAAGATGCTGGAAATA[T>A]TACTGCCTGCCTGGAGGGTGGGGAAACTTTGGTGCTGCCTCAGAAGAAGAACTTCATTTA-3'

ClinVar aggregate classification (germline): Uncertain significance (1 of 4 stars; one submission).

Submission:

Women's Health and Genetics/Laboratory Corporation of America, LabCorp
Classification: Uncertain significance. Last evaluated: 2020-09-30. Review status: criteria provided, single submitter. Criteria: LabCorp Variant Classification Summary - May 2015. Collection method: clinical testing. Allele origin: germline.
Comment: Variant summary: RYR2 c.7860T>A (p.Tyr2620X) results in a premature termination codon, predicted to cause a truncation of the encoded protein or absence of the protein due to nonsense mediated decay. Truncations downstream of this position have been observed at our laboratory. The predominant RYR2 mutational spectrum involves missense variants in individuals with Catecholaminergic Polymorphic Ventricular Tachycardia. Therefore, the impact of loss of function variants in RYR2 on disease is not well established. The variant was absent in 249200 control chromosomes. The available data on variant occurrences in the general population are insufficient to allow any conclusion about variant significance. To our knowledge, no occurrence of c.7860T>A in individuals affected with Catecholaminergic Polymorphic Ventricular Tachycardia and no experimental evidence demonstrating its impact on protein function have been reported. No clinical diagnostic laboratories have submitted clinical-significance assessments for this variant to ClinVar after 2014. Based on the evidence outlined above, the variant was classified as uncertain significance.